The following is an entry in ClinVar:

NM_004667.6(HERC2):c.9709T>C (p.Leu3237=)

Gene: HERC2 (HECT and RLD domain containing E3 ubiquitin protein ligase 2; minus strand). Cytogenetic location: 15q13.1.
Variant type: single nucleotide variant.
Coding change: c.9709T>C on transcript NM_004667.6 (MANE Select); coding-DNA position 9709, T replaced by C.
Protein change: p.Leu3237=; no amino-acid change (leucine 3237 retained).
Molecular consequence: synonymous variant.
Genome position (GRCh38, 1-based): chr15:28,175,634, A>G on the plus strand (T>C on the coding strand, the complement: HERC2 is on the minus strand). VCF-style: chr15-28175634-A-G. GRCh37 (hg19) VCF-style: chr15-28420780-A-G.
Identifiers: ClinVar variation 711950 (VCV000711950.12), dbSNP rs139973203, ClinGen allele CA7441081.

ClinVar aggregate classification (germline): Benign/Likely benign. Review status: criteria provided, multiple submitters, no conflicts (2 of 4 stars). 4 submissions from 4 submitters: Benign (2); Likely benign (2). Last evaluated 2026-02-01.

Allele frequency attached by ClinVar (database versions not stated): gnomAD exomes 0.00040 and 0.00098; ExAC 0.00126; gnomAD 0.00362 and 0.00393; 1000 Genomes Project 0.00399; TOPMed 0.00434; 1000 Genomes Project 30x 0.00453; ESP Exome Variant Server 0.00523.
gnomAD v4.1: 1,166 of 1,613,982 alleles (0.072%); highest among the groups gnomAD compares: African/African-American, 1.4%; 11 homozygotes.

Submissions (4):

CeGaT Center for Human Genetics Tuebingen
Classification: Likely benign. Last evaluated: 2026-02-01. Review status: criteria provided, single submitter. Criteria: CeGaT Center For Human Genetics Tuebingen Variant Classification Criteria Version 2. Collection method: clinical testing. Allele origin: germline. Affected: yes. Observed: 3 variant alleles.
Comment: HERC2: BP4, BP7, BS1

Blueprint Genetics
Classification: Likely benign. Last evaluated: 2024-11-14. Review status: criteria provided, single submitter. Criteria: ACMG Guidelines, 2015. Collection method: clinical testing. Allele origin: germline.

Labcorp Genetics (formerly Invitae), Labcorp
Classification: Benign. Last evaluated: 2019-12-31. Review status: criteria provided, single submitter. Criteria: Invitae Variant Classification Sherloc (09022015). Collection method: clinical testing. Allele origin: germline.

Breakthrough Genomics
Classification: Benign. Review status: criteria provided, single submitter. Criteria: ACMG Guidelines, 2015. Collection method: not provided. Allele origin: germline. Inheritance: Autosomal recessive inheritance. Affected: yes.